The following is an entry in ClinVar:

ClinVar aggregate classification (germline): Pathogenic/Likely pathogenic. Review status: criteria provided, multiple submitters, no conflicts (2 of 4 stars). 3 submissions from 3 submitters: Pathogenic (2); Likely pathogenic (1). Last evaluated 2023-05-02.

Conditions:
Neuromuscular disease caused by qualitative or quantitative defects of dysferlin. Also called: Qualitative or quantitative defects of dysferlin; Dysferlinopathy. Identifiers: Orphanet 207073, MedGen C2931687, MONDO:0016145.

Allele frequency attached by ClinVar (database versions not stated): gnomAD exomes 0.00001; gnomAD 0.00003; TOPMed 0.00003.
gnomAD v4.1: 26 of 1,613,934 alleles (0.0016%); highest among the groups gnomAD compares: African/African-American, 0.0027%; no homozygotes.

Submissions (3):

Broad Center for Mendelian Genomics, Broad Institute of MIT and Harvard
Classification: Pathogenic for Neuromuscular disease caused by qualitative or quantitative defects of dysferlin. Last evaluated: 2023-05-02. Review status: criteria provided, single submitter. Criteria: ACMG Guidelines, 2015. Collection method: curation. Allele origin: germline. Inheritance: Autosomal recessive inheritance.
Comment: The p.Tyr1166Ter variant in DYSF has not been previously reported in individuals with limb-girdle muscular dystrophy 2 but has been identified in 0.005% (2/41402) of African/African American chromosomes by the Genome Aggregation Database (gnomAD; dbSNP ID: rs758944159). Although this variant has been seen in the general population in a heterozygous state, its frequency is low enough to be consistent with a recessive carrier frequency. This variant has also been reported in ClinVar (Variation ID: 283206) and has been interpreted as pathogenic by Eurofins NTD LLC and as likely pathogenic by Illumina Laboratory Services. This nonsense variant leads to a premature termination codon at position 1166, which is predicted to lead to a truncated or absent protein. Loss of function of the DYSF gene is an established disease mechanism in autosomal recessive limb-girdle muscular dystrophy 2. In summary, this variant meets criteria to be classified as pathogenic for autosomal recessive limb-girdle muscular dystrophy 2. ACMG/AMP Criteria applied: PVS1, PM2_Supporting, PM3_Supporting (Richards 2015).

Illumina Laboratory Services, Illumina
Classification: Likely pathogenic for Dysferlinopathy. Last evaluated: 2017-04-27. Review status: criteria provided, single submitter. Criteria: ICSL Variant Classification Criteria 09 May 2019. Collection method: clinical testing. Allele origin: germline.
Comment: The DYSF c.3444T>A (p.Tyr1148Ter) stop-gained variant has not been reported in the literature; however variants that are predicted to have the same functional consequence as the c.3444T>A (p.Tyr1148Ter) variant have been associated with DYSF-related disorders including limb-girdle muscular dystrophy (LGMD) and Miyoshi myopathy (MM). Three studies have been published in which the p.Tyr1148Ter variant is found in a total of five individuals including two in a homozygous state and three in a compound heterozygous state (Kawabe et al. 2004; Klinge et al. 2010; Dominov et al. 2014). Kawabe et al. (2004) identified two related individuals, one with LGMD and one with MM who were homozygous for a DYSF c.3817-8TG>AA (p. Tyr1148Ter) variant. Klinge et al. (2010) identified an individual with MM who was compound heterozygous for a DYSF c.3444_3445delinsAA (p.Tyr1148Ter) variant and a second missense variant. Dominov et al. (2014) observed a DYSF c.3444_3445delTGinsAA (p.Tyr1148Ter) variant in two siblings with MM who were compound heterozygous for the variant and a second insertion variant. The c.3817-8TG>AA (p. Tyr1148Ter) variant was absent from 120 ethnically matched controls (Kawabe et al. 2004). Control data are unavailable for the c.3444T>A (p.Tyr1148Ter) variant and the c.3444_3445delinsAA (p.Tyr1148Ter) variant. The c.3444T>A (p.Tyr1148Ter) variant is not found in the 1000 Genomes Project, the Exome Sequencing Project, or the Exome Aggregation Consortium. Due to the potential impact of stop-gained variants and the evidence, the c.3444T>A (p.Tyr1148Ter) variant is classified as likely pathogenic for dysferlinopathy. This variant was observed by ICSL as part of a predisposition screen in an ostensibly healthy population.

Eurofins Ntd Llc (ga)
Classification: Pathogenic. Last evaluated: 2016-12-06. Review status: criteria provided, single submitter. Criteria: EGL Classification Definitions 2015. Collection method: clinical testing. Allele origin: germline. Observed: 3 variant alleles, 3 heterozygotes.

Literature cited by the submitters: PubMed 19528035 (cited by Illumina Laboratory Services, Illumina); PubMed 25493284 (cited by Illumina Laboratory Services, Illumina); PubMed 15469449 (cited by Illumina Laboratory Services, Illumina).

NM_001130987.2(DYSF):c.3498T>A (p.Tyr1166Ter)

Gene: DYSF (dysferlin; plus strand). Cytogenetic location: 2p13.2.
Variant type: single nucleotide variant.
Coding change: c.3498T>A on transcript NM_001130987.2 (MANE Select); coding-DNA position 3498, T replaced by A.
Protein change: p.Tyr1166Ter; replaces tyrosine 1166 with a stop codon.
Molecular consequence: nonsense.
Genome position (GRCh38, 1-based): chr2:71,590,212, T>A. VCF-style: chr2-71590212-T-A. GRCh37 (hg19) VCF-style: chr2-71817342-T-A.
Other names: NM_001130987.2(DYSF):c.3498T>A; p.Tyr1166Ter; c.3447T>A, p.Tyr1149Ter (NM_001130455.2, NM_001130983.2); c.3402T>A, p.Tyr1134Ter (NM_001130976.2, NM_001130977.2); c.3444T>A, p.Tyr1148Ter (NM_001130978.2, NM_003494.4); c.3537T>A, p.Tyr1179Ter (NM_001130979.2); c.3495T>A, p.Tyr1165Ter (NM_001130980.2, NM_001130981.2); c.3540T>A, p.Tyr1180Ter (NM_001130982.2); and 2 more; short protein forms Y1166*, Y1148*, Y1165*, Y1134*, Y1149*, Y1135*, Y1179*, Y1180*.
Identifiers: ClinVar variation 283206 (VCV000283206.10), dbSNP rs758944159, ClinGen allele CA1706606.